The following is an entry in ClinVar:

ClinVar aggregate classification (germline): Uncertain significance. Review status: criteria provided, multiple submitters, no conflicts (2 of 4 stars). 2 submissions from 2 submitters: Uncertain significance (2). Last evaluated 2025-09-17.

Conditions:
HOMER2-related disorder. Also called: HOMER2-related condition.

Allele frequency attached by ClinVar (database versions not stated): ExAC 0.00004; TOPMed 0.00002; 1000 Genomes Project 0.00020; gnomAD 0.00001; 1000 Genomes Project 30x 0.00016.
gnomAD v4.1: 58 of 1,612,498 alleles (0.0036%); highest among the groups gnomAD compares: East Asian, 0.087%; no homozygotes.

Submissions (2):

GeneDx
Classification: Uncertain significance. Last evaluated: 2025-09-17. Review status: criteria provided, single submitter. Criteria: GeneDx Variant Classification Process June 2021. Collection method: clinical testing. Allele origin: germline.
Comment: In silico analysis supports that this missense variant has a deleterious effect on protein structure/function; Has not been previously published as pathogenic or benign to our knowledge; Variants in candidate genes are classified as variants of uncertain significance in accordance with ACMG guidelines (PMID: 25741868)

PreventionGenetics, part of Exact Sciences
Classification: Uncertain significance for HOMER2-related condition. Last evaluated: 2022-10-11. Review status: criteria provided, single submitter. Criteria: ACMG Guidelines, 2015. Collection method: clinical testing. Allele origin: germline.
Comment: The HOMER2 c.637C>T variant is predicted to result in the amino acid substitution p.Arg213Trp. To our knowledge, this variant has not been reported in the literature. This variant is reported in 0.0065% of alleles in individuals of African descent in gnomAD. At this time, the clinical significance of this variant is uncertain due to the absence of conclusive functional and genetic evidence.

NM_004839.4(HOMER2):c.637C>T (p.Arg213Trp)

Gene: HOMER2 (homer scaffold protein 2; minus strand). Cytogenetic location: 15q25.2.
Variant type: single nucleotide variant.
Coding change: c.637C>T on transcript NM_004839.4 (MANE Select); coding-DNA position 637, C replaced by T.
Protein change: p.Arg213Trp; replaces arginine 213 with tryptophan.
Molecular consequence: missense variant.
Genome position (GRCh38, 1-based): chr15:82,854,658, G>A on the plus strand (C>T on the coding strand, the complement: HOMER2 is on the minus strand). VCF-style: chr15-82854658-G-A. GRCh37 (hg19) VCF-style: chr15-83523410-G-A.
Other names: c.670C>T (NM_199330.2); c.670C>T, p.Arg224Trp (NM_199330.3); short protein forms R213W, R224W.
Identifiers: ClinVar variation 2629463 (VCV002629463.2), dbSNP rs192670592, ClinGen allele CA7702073.
Genomic context (GRCh38, chr15:82,854,658, plus strand): 5'-GCCCACACCAGCTGGCCTCGGGGCTCACTGCATCCACCGTACCCACCTTGTTGCGGAGCC[G>A]GTCATTCTCATCACGGCAGATGGAGAACTGCCTCTTCCACTGCTCCACACTGGCTGCCGA-3'
Protein context (NP_004830.2, residues 203-223): QFSICRDEND[Arg213Trp]LRNKIDELEE